The following is an entry in ClinVar:

NM_000038.6(APC):c.3157A>G (p.Lys1053Glu)

Gene: APC (APC regulator of Wnt signaling pathway; plus strand). Cytogenetic location: 5q22.2.
Variant type: single nucleotide variant.
Coding change: c.3157A>G on transcript NM_000038.6 (MANE Select); coding-DNA position 3157, A replaced by G.
Protein change: p.Lys1053Glu; replaces lysine 1053 with glutamic acid.
Molecular consequence: missense variant.
Genome position (GRCh38, 1-based): chr5:112,838,751, A>G. VCF-style: chr5-112838751-A-G. GRCh37 (hg19) VCF-style: chr5-112174448-A-G.
Other names: c.3157A>G, p.Lys1053Glu (NM_001127510.3, NM_001354895.2); c.3103A>G, p.Lys1035Glu (NM_001127511.3); c.3211A>G, p.Lys1071Glu (NM_001354896.2); c.3187A>G, p.Lys1063Glu (NM_001354897.2); c.3082A>G, p.Lys1028Glu (NM_001354898.2); c.3073A>G, p.Lys1025Glu (NM_001354899.2); c.3034A>G, p.Lys1012Glu (NM_001354900.2); c.2980A>G, p.Lys994Glu (NM_001354901.2); and 5 more; short protein forms K1053E, K1035E, K1025E, K1071E, K962E, K994E, K893E, K952E.
Identifiers: ClinVar variation 469910 (VCV000469910.12), dbSNP rs1554084758, ClinGen allele CA16028250.
Genomic context (GRCh38, chr5:112,838,751, plus strand): 5'-GATGAGCAGTTGAACTCTGGAAGGCAAAGTCCTTCACAGAATGAAAGATGGGCAAGACCC[A>G]AACACATAATAGAAGATGAAATAAAACAAAGTGAGCAAAGACAATCAAGGAATCAAAGTA-3'
Protein context (NP_000029.2, residues 1043-1063): PSQNERWARP[Lys1053Glu]HIIEDEIKQS

ClinVar aggregate classification (germline): Uncertain significance (1 of 4 stars; one submission).

Conditions:
Familial adenomatous polyposis 1 (FAP1). Also called: POLYPOSIS, ADENOMATOUS INTESTINAL; FAMILIAL ADENOMATOUS POLYPOSIS 1, ATTENUATED. Identifiers: MedGen C2713442, MONDO:0021056, OMIM 175100. Disease mechanism: loss of function.

Submission:

Labcorp Genetics (formerly Invitae), Labcorp
Classification: Uncertain significance for Familial adenomatous polyposis 1. Last evaluated: 2025-09-27. Review status: criteria provided, single submitter. Criteria: Invitae Variant Classification Sherloc (09022015). Collection method: clinical testing. Allele origin: germline.
Comment: This sequence change replaces lysine, which is basic and polar, with glutamic acid, which is acidic and polar, at codon 1053 of the APC protein (p.Lys1053Glu). This variant is not present in population databases (gnomAD no frequency). This variant has not been reported in the literature in individuals affected with APC-related conditions. ClinVar contains an entry for this variant (Variation ID: 469910). Invitae Evidence Modeling of protein sequence and biophysical properties (such as structural, functional, and spatial information, amino acid conservation, physicochemical variation, residue mobility, and thermodynamic stability) indicates that this missense variant is not expected to disrupt APC protein function with a negative predictive value of 95%. In summary, the available evidence is currently insufficient to determine the role of this variant in disease. Therefore, it has been classified as a Variant of Uncertain Significance.